The following is an entry in ClinVar:

NM_000432.4(MYL2):c.283C>A (p.Pro95Thr)

Gene: MYL2 (myosin light chain 2; minus strand). Cytogenetic location: 12q24.11.
Variant type: single nucleotide variant.
Coding change: c.283C>A on transcript NM_000432.4 (MANE Select); coding-DNA position 283, C replaced by A.
Protein change: p.Pro95Thr; replaces proline 95 with threonine.
Molecular consequence: missense variant.
Genome position (GRCh38, 1-based): chr12:110,913,316, G>T on the plus strand (C>A on the coding strand, the complement: MYL2 is on the minus strand). VCF-style: chr12-110913316-G-T. GRCh37 (hg19) VCF-style: chr12-111351120-G-T.
Other names: c.241C>A, p.Pro81Thr (NM_001406745.1); c.226C>A, p.Pro76Thr (NM_001406916.1); short protein forms P76T, P95T, P81T.
Identifiers: ClinVar variation 3876552 (VCV003876552.2).

ClinVar aggregate classification (germline): Uncertain significance (1 of 4 stars; one submission).

Conditions:
Cardiovascular phenotype. Identifiers: MedGen CN230736.

Submission:

Ambry Genetics
Classification: Uncertain significance for Cardiovascular phenotype. Last evaluated: 2025-01-13. Review status: criteria provided, single submitter. Criteria: Ambry Variant Classification Scheme 2023. Collection method: clinical testing. Allele origin: germline.
Comment: The p.P95T variant (also known as c.283C>A), located in coding exon 5 of the MYL2 gene, results from a C to A substitution at nucleotide position 283. The proline at codon 95 is replaced by threonine, an amino acid with highly similar properties. This amino acid position is conserved. In addition, the in silico prediction for this alteration is inconclusive. Based on the available evidence, the clinical significance of this variant remains unclear.